The following is an entry in ClinVar:

NM_006457.5(PDLIM5):c.96+871G>A

Gene: PDLIM5 (PDZ and LIM domain 5; plus strand). Cytogenetic location: 4q22.3.
Variant type: single nucleotide variant.
Coding change: c.96+871G>A on transcript NM_006457.5 (MANE Select); 871 bases into the intron after coding-DNA position 96, G replaced by A.
Molecular consequence: intron variant. On other transcripts: synonymous variant (1), non-coding transcript variant (1).
Genome position (GRCh38, 1-based): chr4:94,456,255, G>A. VCF-style: chr4-94456255-G-A. GRCh37 (hg19) VCF-style: chr4-95377406-G-A.
Other names: c.108G>A, p.Gln36= (NM_001256429.2); c.96+871G>A (NM_001256426.2, NM_001256427.2, NM_001011513.4 and 2 more transcripts); c.-461+871G>A (NM_001256425.2); c.-119+871G>A (NM_001256428.2).
Identifiers: ClinVar variation 2654954 (VCV002654954.24), dbSNP rs1437327804, ClinGen allele CA553439870.

ClinVar aggregate classification (germline): Likely benign (1 of 4 stars; one submission).

Allele frequency attached by ClinVar (database versions not stated): TOPMed below 0.00001; gnomAD 0.00001.

Submission:

CeGaT Center for Human Genetics Tuebingen
Classification: Likely benign. Last evaluated: 2023-10-01. Review status: criteria provided, single submitter. Criteria: CeGaT Center For Human Genetics Tuebingen Variant Classification Criteria Version 2. Collection method: clinical testing. Allele origin: germline. Affected: yes. Observed: 1 variant allele.
Comment: PDLIM5: BP4, BP7